The following is an entry in ClinVar:

NM_000152.5(GAA):c.1551+3A>T

Gene: GAA (alpha glucosidase; plus strand). Cytogenetic location: 17q25.3.
Variant type: single nucleotide variant.
Coding change: c.1551+3A>T on transcript NM_000152.5 (MANE Select); 3 bases into the intron after coding-DNA position 1551, A replaced by T.
Molecular consequence: intron variant.
Genome position (GRCh38, 1-based): chr17:80,110,843, A>T. VCF-style: chr17-80110843-A-T. GRCh37 (hg19) VCF-style: chr17-78084642-A-T.
Other names: c.1551+3A>T (NM_001406741.1, NM_001406742.1, NM_001079803.3 and 1 more transcripts).
Identifiers: ClinVar variation 4876664 (VCV004876664.1).

ClinVar aggregate classification (germline): Uncertain significance (1 of 4 stars; one submission).

Conditions:
Glycogen storage disease, type II (IOPD). Also called: Pompe Disease; CARDIOMEGALIA GLYCOGENICA DIFFUSA; GLYCOGENOSIS, GENERALIZED, CARDIAC FORM; GSD II; POMPE DISEASE, INFANTILE-ONSET; GLYCOGEN STORAGE DISEASE II, INFANTILE-ONSET. Identifiers: Orphanet 365, MedGen C0017921, MONDO:0009290, OMIM 232300.

Submission:

Genomenon, Inc
Classification: Uncertain significance for Glycogen storage disease, type II. Last evaluated: 2026-07-01. Review status: criteria provided, single submitter. Criteria: Genomenon Sequence Variant Interpretation Standards - Updated. Collection method: curation. Allele origin: germline. Affected: no.
Comment: GAA c.1551+3A>T is an intronic variant located in the donor splice region of intron 10. This variant has been reported in the published literature (PMID:31342611). It is absent or not present at a significant frequency in gnomAD. In silico models predict that this variant is possibly or probably damaging. In conclusion, we classify GAA c.1551+3A>T as a variant of uncertain significance.

Literature cited by the submitters: PubMed 31342611.